The following is an entry in ClinVar:

NM_025074.7(FRAS1):c.5157G>C (p.Leu1719=)

Gene: FRAS1 (Fraser extracellular matrix complex subunit 1; plus strand). Cytogenetic location: 4q21.21.
Variant type: single nucleotide variant.
Coding change: c.5157G>C on transcript NM_025074.7 (MANE Select); coding-DNA position 5157, G replaced by C.
Protein change: p.Leu1719=; no amino-acid change (leucine 1719 retained).
Molecular consequence: synonymous variant.
Genome position (GRCh38, 1-based): chr4:78,432,544, G>C. VCF-style: chr4-78432544-G-C. GRCh37 (hg19) VCF-style: chr4-79353698-G-C.
Other names: c.5157G>C (NM_025074.6); c.5157G>C, p.Leu1719= (NM_001166133.2).
Identifiers: ClinVar variation 1910578 (VCV001910578.6), dbSNP rs753380703, ClinGen allele CA2977432.
Genomic context (GRCh38, chr4:78,432,544, plus strand): 5'-GAGAGTAGAGGTGTCCCTGTCAGAAGACCGAGGGCCTCGACTGGCTGCTGGCTCCTCTCT[G>C]AGCATTACTGTTGCCAGTAAAAGCACAGCCATAATCACTAGGTCACACCTTGCTTACGTG-3'
Protein context (NP_079350.5, residues 1709-1729): RGPRLAAGSS[Leu1719=]SITVASKSTA

ClinVar aggregate classification (germline): Likely benign. Review status: criteria provided, multiple submitters, no conflicts (2 of 4 stars). 2 submissions from 2 submitters: Likely benign (2). Last evaluated 2026-03-23.

Conditions:
FRAS1-related disorder. Also called: FRAS1-related condition.

Allele frequency attached by ClinVar (database versions not stated): gnomAD exomes 0.00001; ExAC 0.00005.
gnomAD v4.1: 12 of 1,611,936 alleles (0.00074%); highest among the groups gnomAD compares: Admixed American, 0.017%; no homozygotes.

Submissions (2):

PreventionGenetics, part of Exact Sciences
Classification: Likely benign for FRAS1-related condition. Last evaluated: 2026-03-23. Review status: criteria provided, single submitter. Criteria: ACMG Guidelines, 2015. Collection method: clinical testing. Allele origin: germline.
Comment: This variant is classified as likely benign based on ACMG/AMP sequence variant interpretation guidelines (Richards et al. 2015 PMID: 25741868, with internal and published modifications).

Labcorp Genetics (formerly Invitae), Labcorp
Classification: Likely benign. Last evaluated: 2023-09-01. Review status: criteria provided, single submitter. Criteria: Invitae Variant Classification Sherloc (09022015). Collection method: clinical testing. Allele origin: germline.